The following is an entry in ClinVar:

NM_173651.4(FSIP2):c.7029A>G (p.Leu2343=)

Genes: FSIP2 (fibrous sheath interacting protein 2; plus strand), FSIP2-AS1 (FSIP2 antisense RNA 1; minus strand). Cytogenetic location: 2q32.1.
Variant type: single nucleotide variant.
Coding change: c.7029A>G on transcript NM_173651.4 (MANE Select); coding-DNA position 7029, A replaced by G.
Protein change: p.Leu2343=; no amino-acid change (leucine 2343 retained).
Molecular consequence: synonymous variant.
Genome position (GRCh38, 1-based): chr2:185,794,165, A>G. VCF-style: chr2-185794165-A-G. GRCh37 (hg19) VCF-style: chr2-186658892-A-G.
Identifiers: ClinVar variation 2651745 (VCV002651745.24), dbSNP rs970955671, ClinGen allele CA61750322.

ClinVar aggregate classification (germline): Likely benign (1 of 4 stars; one submission).

Allele frequency attached by ClinVar (database versions not stated): gnomAD 0.00001; gnomAD exomes 0.00002; TOPMed 0.00002.
gnomAD v4.1: 14 of 1,534,210 alleles (0.00091%); highest among the groups gnomAD compares: Admixed American, 0.016%; no homozygotes.

Submission:

CeGaT Center for Human Genetics Tuebingen
Classification: Likely benign. Last evaluated: 2023-04-01. Review status: criteria provided, single submitter. Criteria: CeGaT Center For Human Genetics Tuebingen Variant Classification Criteria Version 2. Collection method: clinical testing. Allele origin: germline. Affected: yes. Observed: 1 variant allele.
Comment: FSIP2: BP4, BP7